The following is an entry in ClinVar:

NM_017777.4(MKS1):c.915+19_915+21del

Gene: MKS1 (MKS transition zone complex subunit 1; minus strand). Cytogenetic location: 17q22.
Variant type: Deletion.
Coding change: c.915+19_915+21del on transcript NM_017777.4 (MANE Select); bases 19 to 21 of the intron after coding-DNA position 915, 3 bases deleted (TGC; older notation c.915+19_915+21delTGC).
Molecular consequence: intron variant.
Genome position (GRCh38, 1-based): chr17:58,212,357-58,212,359, GCA deleted on the plus strand (TGC on the coding strand, the reverse complement: MKS1 is on the minus strand); deleting any 3 consecutive bases within chr17:58,212,357-58,212,360 gives the same sequence; the c. name uses the placement nearest the transcript's 3' end. VCF-style (leftmost placement, unchanged base first): chr17-58212356-TGCA-T. GRCh37 (hg19) VCF-style: chr17-56289717-TGCA-T.
Other names: p.?; c.915+19_915+21delTGC (NM_017777.3); c.306+19_306+21del (NM_001321268.2); c.915+19_915+21del (NM_001330397.2, NM_001321269.2).
Identifiers: ClinVar variation 260889 (VCV000260889.15), dbSNP rs3217067, ClinGen allele CA8669358.
Genomic context (GRCh38, chr17:58,212,356, plus strand): 5'-AGAGAGGTAGTGTAACTCATCCACAGTCAGAATGCTCCGGCTAAACACAGCTCACAGTGC[TGCA>T]GGAAGCCAAGCTACTCACCATCTCAAAGTCGGTGCCTACGAGGCTGCTGAGATACTCCTT-3'

ClinVar aggregate classification (germline): Benign/Likely benign. Review status: criteria provided, multiple submitters, no conflicts (2 of 4 stars). 6 submissions from 5 submitters: Benign (4); Likely benign (1). 1 of the submissions does not count toward it. Last evaluated 2026-02-04.

Conditions:
Joubert syndrome. Also called: Familial aplasia of the vermis; JOUBERT-BOLTSHAUSER SYNDROME. Identifiers: Orphanet 475, MedGen C5979921, MONDO:0018772.
Meckel-Gruber syndrome. Also called: DYSENCEPHALIA SPLANCHNOCYSTICA; Dysencephalia splachnocystica; GRUBER SYNDROME. Identifiers: Orphanet 564, MedGen C0265215, MONDO:0018921.

Submissions (6):

Labcorp Genetics (formerly Invitae), Labcorp
Classification: Benign for Joubert syndrome; Meckel-Gruber syndrome. Last evaluated: 2026-02-04. Review status: criteria provided, single submitter. Criteria: Invitae Variant Classification Sherloc (09022015). Collection method: clinical testing. Allele origin: germline.

Blueprint Genetics
Classification: Likely benign. Last evaluated: 2024-11-28. Review status: criteria provided, single submitter. Criteria: ACMG Guidelines, 2015. Collection method: clinical testing. Allele origin: germline.

Mayo Clinic Laboratories, Mayo Clinic
Classification: Benign. Last evaluated: 2022-05-05. Review status: criteria provided, single submitter. Criteria: ACMG Guidelines, 2015. Collection method: clinical testing. Allele origin: germline. Observed: 82 variant alleles.

GeneDx
Classification: Benign. Last evaluated: 2018-06-01. Review status: criteria provided, single submitter. Criteria: GeneDx Variant Classification Process June 2021. Collection method: clinical testing. Allele origin: germline. Affected: yes.

PreventionGenetics, part of Exact Sciences
Classification: Benign. Review status: criteria provided, single submitter. Criteria: ACMG Guidelines, 2015. Collection method: clinical testing. Allele origin: germline.

GeneDx
Classification: Benign. Last evaluated: 2015-03-03. Review status: flagged submission. Criteria: GeneDx Variant Classification Process June 2021. Collection method: clinical testing. Allele origin: germline. Affected: yes. Not counted in ClinVar's aggregate classification.
ClinVar note: Reason: This record appears to be redundant with a more recent record from the same submitter.
ClinVar note: Notes: SCV001890011 appears to be redundant with SCV000728961.